The following is an entry in ClinVar:

ClinVar aggregate classification (germline): Uncertain significance. Review status: criteria provided, multiple submitters, no conflicts (2 of 4 stars). 3 submissions from 3 submitters: Uncertain significance (3). Last evaluated 2024-10-22.

Conditions:
Inborn genetic diseases. Identifiers: MedGen C0950123, MeSH D030342.
Hypomyelination and Congenital Cataract (HLD5). Also called: hypomyelinating leukodystrophy 5. Identifiers: Orphanet 85163, MedGen C1864663, MONDO:0012514, OMIM 610532.

Allele frequency attached by ClinVar (database versions not stated): gnomAD exomes 0.00004 and 0.00006; ExAC 0.00007; gnomAD 0.00007 and 0.00009; TOPMed 0.00008; 1000 Genomes Project 30x 0.00016; 1000 Genomes Project 0.00020; ESP Exome Variant Server 0.00023.
gnomAD v4.1: 72 of 1,613,718 alleles (0.0045%); highest among the groups gnomAD compares: Middle Eastern, 0.05%; no homozygotes.

Submissions (3):

Labcorp Genetics (formerly Invitae), Labcorp
Classification: Uncertain significance for Hypomyelination and Congenital Cataract. Last evaluated: 2024-10-22. Review status: criteria provided, single submitter. Criteria: Invitae Variant Classification Sherloc (09022015). Collection method: clinical testing. Allele origin: germline.
Comment: This sequence change replaces arginine, which is basic and polar, with glutamine, which is neutral and polar, at codon 311 of the FAM126A protein (p.Arg311Gln). This variant is present in population databases (rs148168726, gnomAD 0.02%). This variant has not been reported in the literature in individuals affected with FAM126A-related conditions. ClinVar contains an entry for this variant (Variation ID: 573690). Invitae Evidence Modeling of protein sequence and biophysical properties (such as structural, functional, and spatial information, amino acid conservation, physicochemical variation, residue mobility, and thermodynamic stability) indicates that this missense variant is expected to disrupt FAM126A protein function with a positive predictive value of 80%. In summary, the available evidence is currently insufficient to determine the role of this variant in disease. Therefore, it has been classified as a Variant of Uncertain Significance.

Blueprint Genetics
Classification: Uncertain significance. Last evaluated: 2022-05-11. Review status: criteria provided, single submitter. Criteria: ACMG Guidelines, 2015. Collection method: clinical testing. Allele origin: germline.

Ambry Genetics
Classification: Uncertain significance for Inborn genetic diseases. Last evaluated: 2021-10-12. Review status: criteria provided, single submitter. Criteria: Ambry Variant Classification Scheme 2023. Collection method: clinical testing. Allele origin: germline.

NM_032581.4(HYCC1):c.932G>A (p.Arg311Gln)

Gene: HYCC1 (hyccin PI4KA lipid kinase complex subunit 1; minus strand). Cytogenetic location: 7p15.3.
Variant type: single nucleotide variant.
Coding change: c.932G>A on transcript NM_032581.4 (MANE Select); coding-DNA position 932, G replaced by A.
Protein change: p.Arg311Gln; replaces arginine 311 with glutamine.
Molecular consequence: missense variant.
Genome position (GRCh38, 1-based): chr7:22,960,315, C>T on the plus strand (G>A on the coding strand, the complement: HYCC1 is on the minus strand). VCF-style: chr7-22960315-C-T. GRCh37 (hg19) VCF-style: chr7-22999934-C-T.
Other names: c.932G>A, p.Arg311Gln (NM_001363466.2, NM_001363467.2); short protein forms R311Q.
Identifiers: ClinVar variation 573690 (VCV000573690.9), dbSNP rs148168726, ClinGen allele CA4185864.
Genomic context (GRCh38, chr7:22,960,315, plus strand): 5'-CCATGTCTTTTCCACCTATGACCCCTTATTGACATGCTGGTTACTGCATTTCTTGATATT[C>T]GAGAGGAAGTTGGTGTGATTTCAACTTGAATACACCTTGTACCTTCCTTATTAGATTTCA-3'
Protein context (NP_115970.2, residues 301-321): IQVEITPTSS[Arg311Gln]ISRNAVTSMS